The following is an entry in ClinVar:

NM_206933.4(USH2A):c.2993+715_2993+716insATATATATATATTATATATATAAT

Genes: USH2A (usherin; minus strand), USH2A-AS1 (USH2A antisense RNA 1; plus strand). Cytogenetic location: 1q41.
Variant type: Microsatellite.
Coding change: c.2993+715_2993+716insATATATATATATTATATATATAAT on transcript NM_206933.4 (MANE Select); bases 715 to 716 of the intron after coding-DNA position 2993, ATATATATATATTATATATATAAT inserted.
Molecular consequence: intron variant.
Genome position: GRCh38 VCF-style: chr1-216231237-T-TATATATATATATATTATATATATA. GRCh37 (hg19) VCF-style: chr1-216404579-T-TATATATATATATATTATATATATA.
Other names: c.2993+715_2993+716insATATATATATATTATATATATAAT (NM_007123.6).
Identifiers: ClinVar variation 3778204 (VCV003778204.7).
Genomic context (GRCh38, chr1:216,231,237, plus strand): 5'-TAATAAATATGCAATAAATTCAAGGGCAATGAAGAACAAAGCACATACATATATCCCATA[T>TATATATATATATATTATATATATA]ATATATATATATTATATATATAATATATATATATAATATATATACACAGAGAGACAGAGA-3'

ClinVar aggregate classification (germline): Benign (1 of 4 stars; one submission).

Submission:

CeGaT Center for Human Genetics Tuebingen
Classification: Benign. Last evaluated: 2025-02-01. Review status: criteria provided, single submitter. Criteria: CeGaT Center For Human Genetics Tuebingen Variant Classification Criteria Version 2. Collection method: clinical testing. Allele origin: germline. Affected: yes. Observed: 1 variant allele.
Comment: USH2A: BS1, BS2